The following is an entry in ClinVar:

NM_203447.4(DOCK8):c.636C>G (p.Asn212Lys)

Gene: DOCK8 (dedicator of cytokinesis 8; plus strand). Cytogenetic location: 9p24.3.
Variant type: single nucleotide variant.
Coding change: c.636C>G on transcript NM_203447.4 (MANE Select); coding-DNA position 636, C replaced by G.
Protein change: p.Asn212Lys; replaces asparagine 212 with lysine.
Molecular consequence: missense variant.
Genome position (GRCh38, 1-based): chr9:312,061, C>G. VCF-style: chr9-312061-C-G. GRCh37 (hg19) VCF-style: chr9-312061-C-G.
Other names: c.432C>G, p.Asn144Lys (NM_001190458.2, NM_001193536.2); c.636C>G (NM_203447.3); short protein forms N144K, N212K.
Identifiers: ClinVar variation 1053380 (VCV001053380.8), dbSNP rs1223609550, ClinGen allele CA372760405.

ClinVar aggregate classification (germline): Uncertain significance. Review status: criteria provided, multiple submitters, no conflicts (2 of 4 stars). 2 submissions from 2 submitters: Uncertain significance (2). Last evaluated 2024-11-18.

Conditions:
Inborn genetic diseases. Identifiers: MedGen C0950123, MeSH D030342.
Combined immunodeficiency due to DOCK8 deficiency (HIES2). Also called: DOCK8 Deficiency; HIES autosomal recessive; Hyper-IgE recurrent infection syndrome, autosomal recessive; HYPER-IgE RECURRENT INFECTION SYNDROME 2, AUTOSOMAL RECESSIVE; HYPER-IgE SYNDROME 2, AUTOSOMAL RECESSIVE, WITH RECURRENT INFECTIONS. Identifiers: Orphanet 217390, MedGen C4722305, MONDO:0009478, OMIM 243700.

Allele frequency attached by ClinVar (database versions not stated): gnomAD exomes below 0.00001; TOPMed 0.00001.
gnomAD v4.1: 1 of 1,614,202 alleles (0.000062%); highest among the groups gnomAD compares: Non-Finnish European, 0.000085%; no homozygotes.

Submissions (2):

Labcorp Genetics (formerly Invitae), Labcorp
Classification: Uncertain significance for Combined immunodeficiency due to DOCK8 deficiency. Last evaluated: 2024-11-18. Review status: criteria provided, single submitter. Criteria: Invitae Variant Classification Sherloc (09022015). Collection method: clinical testing. Allele origin: germline.
Comment: This sequence change replaces asparagine, which is neutral and polar, with lysine, which is basic and polar, at codon 212 of the DOCK8 protein (p.Asn212Lys). This variant is present in population databases (no rsID available, gnomAD no frequency). This variant has not been reported in the literature in individuals affected with DOCK8-related conditions. ClinVar contains an entry for this variant (Variation ID: 1053380). Invitae Evidence Modeling of protein sequence and biophysical properties (such as structural, functional, and spatial information, amino acid conservation, physicochemical variation, residue mobility, and thermodynamic stability) indicates that this missense variant is not expected to disrupt DOCK8 protein function with a negative predictive value of 80%. In summary, the available evidence is currently insufficient to determine the role of this variant in disease. Therefore, it has been classified as a Variant of Uncertain Significance.

Ambry Genetics
Classification: Uncertain significance for Inborn genetic diseases. Last evaluated: 2022-06-24. Review status: criteria provided, single submitter. Criteria: Ambry Variant Classification Scheme 2023. Collection method: clinical testing. Allele origin: germline.